The following is an entry in ClinVar:

ClinVar aggregate classification (germline): Uncertain significance (1 of 4 stars; one submission).

Allele frequency attached by ClinVar (database versions not stated): gnomAD exomes 0.00001; ExAC 0.00002; TOPMed 0.00002; gnomAD 0.00004; 1000 Genomes Project 30x 0.00016; 1000 Genomes Project 0.00020.
gnomAD v4.1: 17 of 1,575,394 alleles (0.0011%); highest among the groups gnomAD compares: Middle Eastern, 0.017%; no homozygotes.

Submission:

Labcorp Genetics (formerly Invitae), Labcorp
Classification: Uncertain significance. Last evaluated: 2025-06-12. Review status: criteria provided, single submitter. Criteria: Invitae Variant Classification Sherloc (09022015). Collection method: clinical testing. Allele origin: germline.
Comment: This sequence change falls in intron 33 of the NUP160 gene. It does not directly change the encoded amino acid sequence of the NUP160 protein. It affects a nucleotide within the consensus splice site. The frequency data for this variant in the population databases is considered unreliable, as metrics indicate poor data quality at this position in the gnomAD database. This variant has not been reported in the literature in individuals affected with NUP160-related conditions. ClinVar contains an entry for this variant (Variation ID: 1960486). Variants that disrupt the consensus splice site are a relatively common cause of aberrant splicing (PMID: 17576681, 9536098). Algorithms developed to predict the effect of sequence changes on RNA splicing suggest that this variant is not likely to affect RNA splicing. In summary, the available evidence is currently insufficient to determine the role of this variant in disease. Therefore, it has been classified as a Variant of Uncertain Significance.

Literature cited by the submitters: PubMed 17576681; PubMed 9536098.

NM_015231.3(NUP160):c.3888+6C>T

Gene: NUP160 (nucleoporin 160; minus strand). Cytogenetic location: 11p11.2.
Variant type: single nucleotide variant.
Coding change: c.3888+6C>T on transcript NM_015231.3 (MANE Select); 6 bases into the intron after coding-DNA position 3888, C replaced by T.
Molecular consequence: intron variant.
Genome position (GRCh38, 1-based): chr11:47,784,916, G>A on the plus strand (C>T on the coding strand, the complement: NUP160 is on the minus strand). VCF-style: chr11-47784916-G-A. GRCh37 (hg19) VCF-style: chr11-47806468-G-A.
Identifiers: ClinVar variation 1960486 (VCV001960486.5), dbSNP rs200105376, ClinGen allele CA5980504.
Genomic context (GRCh38, chr11:47,784,916, plus strand): 5'-TCTCATGAAGTTATCCAGAATGATAAAGAGTGGGTTCTTACTCTGTACAAGTTATAATCC[G>A]TTTACCTTGTAACTGTTTATAAGCCAATTAGGCAGAGGCACTCCATGAGACAAGAGCTTG-3'